The following is an entry in ClinVar:

NM_017514.5(PLXNA3):c.314C>T (p.Ala105Val)

Gene: PLXNA3 (plexin A3; plus strand). Cytogenetic location: Xq28.
Variant type: single nucleotide variant.
Coding change: c.314C>T on transcript NM_017514.5 (MANE Select); coding-DNA position 314, C replaced by T.
Protein change: p.Ala105Val; replaces alanine 105 with valine.
Molecular consequence: missense variant.
Genome position (GRCh38, 1-based): chrX:154,460,497, C>T. VCF-style: chrX-154460497-C-T. GRCh37 (hg19) VCF-style: chrX-153688837-C-T.
Other names: c.314C>T (NM_017514.3); short protein forms A105V.
Identifiers: ClinVar variation 2634988 (VCV002634988.4), dbSNP rs144336050, ClinGen allele CA10563658.

ClinVar aggregate classification (germline): Uncertain significance. Review status: criteria provided, single submitter (1 of 4 stars). 2 submissions from 2 submitters: Uncertain significance (1). 1 of the submissions does not count toward it. Last evaluated 2025-10-29.

Conditions:
PLXNA3-related disorder. Also called: PLXNA3-related condition.

Allele frequency attached by ClinVar (database versions not stated): ExAC 0.00010; TOPMed 0.00014; gnomAD exomes 0.00016; ESP Exome Variant Server 0.00038; gnomAD 0.00016.
gnomAD v4.1: 199 of 1,207,924 alleles (0.016%); highest among the groups gnomAD compares: South Asian, 0.026%; no homozygotes.

Submissions (2):

Ambry Genetics
Classification: Uncertain significance. Last evaluated: 2025-10-29. Review status: criteria provided, single submitter. Criteria: Ambry Variant Classification Scheme 2023. Collection method: clinical testing. Allele origin: germline.

PreventionGenetics, part of Exact Sciences
Classification: Uncertain significance for PLXNA3-related condition. Last evaluated: 2024-09-23. Review status: no assertion criteria provided. Collection method: clinical testing. Allele origin: germline. Not counted in ClinVar's aggregate classification.
Comment: The PLXNA3 c.314C>T variant is predicted to result in the amino acid substitution p.Ala105Val. To our knowledge, this variant has not been reported in the literature. This variant is reported in 0.027% of alleles in individuals of East Asian descent in gnomAD, including 12 hemizygous individuals. Although we suspect that this variant may be benign, at this time, the clinical significance of this variant is uncertain due to the absence of conclusive functional and genetic evidence.